The following is an entry in ClinVar:

ClinVar aggregate classification (germline): Uncertain significance. Review status: criteria provided, multiple submitters, no conflicts (2 of 4 stars). 2 submissions from 2 submitters: Uncertain significance (2). Last evaluated 2025-12-14.

Conditions:
Neurofibromatosis, type 1 (NF1). Also called: Peripheral type neurofibromatosis; Neurofibromatosis, type I; VON RECKLINGHAUSEN DISEASE; NEUROFIBROMATOSIS, TYPE I, SOMATIC. Identifiers: Orphanet 636, MedGen C0027831, MONDO:0018975, OMIM 162200. Disease mechanism: loss of function.
Cardiovascular phenotype. Identifiers: MedGen CN230736.
Hereditary cancer-predisposing syndrome. Also called: Tumor predisposition; Hereditary neoplastic syndrome; Hereditary Cancer Syndrome; Neoplastic Syndromes, Hereditary. Identifiers: Orphanet 140162, MedGen C0027672, MeSH D009386, MONDO:0015356.

Submissions (2):

Labcorp Genetics (formerly Invitae), Labcorp
Classification: Uncertain significance for Neurofibromatosis, type 1. Last evaluated: 2025-12-14. Review status: criteria provided, single submitter. Criteria: Invitae Variant Classification Sherloc (09022015). Collection method: clinical testing. Allele origin: germline.
Comment: This sequence change replaces glutamine, which is neutral and polar, with histidine, which is basic and polar, at codon 2595 of the NF1 protein (p.Gln2595His). This variant is not present in population databases (gnomAD no frequency). This variant has not been reported in the literature in individuals affected with NF1-related conditions. ClinVar contains an entry for this variant (Variation ID: 3680850). Invitae Evidence Modeling of protein sequence and biophysical properties (such as structural, functional, and spatial information, amino acid conservation, physicochemical variation, residue mobility, and thermodynamic stability) indicates that this missense variant is expected to disrupt NF1 protein function with a positive predictive value of 80%. In summary, the available evidence is currently insufficient to determine the role of this variant in disease. Therefore, it has been classified as a Variant of Uncertain Significance.

Ambry Genetics
Classification: Uncertain significance for Cardiovascular phenotype; Hereditary cancer-predisposing syndrome. Last evaluated: 2025-04-06. Review status: criteria provided, single submitter. Criteria: Ambry Variant Classification Scheme 2023. Collection method: clinical testing. Allele origin: germline.
Comment: The p.Q2595H variant (also known as c.7785G>C), located in coding exon 52 of the NF1 gene, results from a G to C substitution at nucleotide position 7785. The glutamine at codon 2595 is replaced by histidine, an amino acid with highly similar properties. This amino acid position is conserved. In addition, this alteration is predicted to be deleterious by in silico analysis. Based on the available evidence, the clinical significance of this variant remains unclear.

NM_001042492.3(NF1):c.7848G>C (p.Gln2616His)

Gene: NF1 (neurofibromin 1; plus strand). Cytogenetic location: 17q11.2.
Variant type: single nucleotide variant.
Coding change: c.7848G>C on transcript NM_001042492.3 (MANE Select); coding-DNA position 7848, G replaced by C.
Protein change: p.Gln2616His; replaces glutamine 2616 with histidine.
Molecular consequence: missense variant.
Genome position (GRCh38, 1-based): chr17:31,357,069, G>C. VCF-style: chr17-31357069-G-C. GRCh37 (hg19) VCF-style: chr17-29684087-G-C.
Other names: c.7785G>C, p.Gln2595His (NM_000267.4); short protein forms Q2616H, Q2595H.
Identifiers: ClinVar variation 3680850 (VCV003680850.3).